The following is an entry in ClinVar:

ClinVar aggregate classification (germline): Pathogenic (1 of 4 stars; one submission).

Conditions:
Charlevoix-Saguenay spastic ataxia (SACS). Also called: AUTOSOMAL RECESSIVE SPASTIC ATAXIA OF CHARLEVOIX-SAGUENAY; Spastic ataxia of Charlevoix-Saguenay; SPASTIC ATAXIA 6, AUTOSOMAL RECESSIVE. Identifiers: Orphanet 98, MedGen C1849140, MONDO:0010041, OMIM 270550.

Submission:

Myriad Genetics, Inc.
Classification: Pathogenic for Charlevoix-Saguenay spastic ataxia. Last evaluated: 2024-08-21. Review status: criteria provided, single submitter. Criteria: Myriad Autosomal Dominant, Autosomal Recessive and X-Linked Classification Criteria (2023). Collection method: clinical testing. Allele origin: unknown.
Comment: NM_014363.4(SACS):c.433dupT(S145Ffs*39) is expected to be pathogenic in the context of autosomal recessive spastic ataxia of Charlevoix-Saguenay. This variant is predicted to lead to an abnormal or absent protein product due to the creation of a premature termination codon in SACS, a gene where loss-of-function variants are known to be pathogenic. Please note: this variant was assessed in the context of healthy population screening.

NM_014363.6(SACS):c.433dup (p.Ser145fs)

Gene: SACS (sacsin molecular chaperone; minus strand). Cytogenetic location: 13q12.12.
Variant type: Duplication.
Coding change: c.433dup on transcript NM_014363.6 (MANE Select); coding-DNA position 433, one base duplicated (T; older notation c.433dupT).
Protein change: p.Ser145fs; shifts the reading frame from serine 145.
Molecular consequence: frameshift variant. On other transcripts: 5 prime UTR variant (1).
Genome position (GRCh38, 1-based): chr13:23,365,190, A duplicated on the plus strand (T on the coding strand, the reverse complement: SACS is on the minus strand). VCF-style (leftmost placement, unchanged base first): chr13-23365189-G-GA. GRCh37 (hg19) VCF-style: chr13-23939328-G-GA.
Other names: c.-9dup (NM_001278055.2); c.433dup, p.Ser145fs (NM_001437336.1); short protein forms S145fs.
Identifiers: ClinVar variation 5013478 (VCV005013478.1).